The following is an entry in ClinVar:

ClinVar aggregate classification (germline): Benign/Likely benign. Review status: criteria provided, multiple submitters, no conflicts (2 of 4 stars). 5 submissions from 5 submitters: Benign (3); Likely benign (2). Last evaluated 2025-12-08.

Conditions:
Ventriculomegaly-cystic kidney disease. Also called: Ventriculomegaly with cystic kidney disease. Identifiers: Orphanet 443988, MedGen C1857423, MONDO:0009063, OMIM 219730.
Focal segmental glomerulosclerosis 9 (FSGS9). Identifiers: Orphanet 656, MedGen C4015555, MONDO:0014539, OMIM 616220.

Allele frequency attached by ClinVar (database versions not stated): ESP Exome Variant Server 0.00008; gnomAD 0.00021 and 0.00061; TOPMed 0.00032; 1000 Genomes Project 30x 0.00250; 1000 Genomes Project 0.00260.
gnomAD v4.1: 1,714 of 1,613,302 alleles (0.11%); highest among the groups gnomAD compares: South Asian, 1.5%; 27 homozygotes.

Submissions (5):

Labcorp Genetics (formerly Invitae), Labcorp
Classification: Benign. Last evaluated: 2025-12-08. Review status: criteria provided, single submitter. Criteria: Invitae Variant Classification Sherloc (09022015). Collection method: clinical testing. Allele origin: germline.

CeGaT Center for Human Genetics Tuebingen
Classification: Benign. Last evaluated: 2024-04-01. Review status: criteria provided, single submitter. Criteria: CeGaT Center For Human Genetics Tuebingen Variant Classification Criteria Version 2. Collection method: clinical testing. Allele origin: germline. Affected: yes. Observed: 1 variant allele.
Comment: CRB2: BP4, BS1, BS2

GeneDx
Classification: Likely benign. Last evaluated: 2022-12-02. Review status: criteria provided, single submitter. Criteria: GeneDx Variant Classification Process June 2021. Collection method: clinical testing. Allele origin: germline. Affected: yes.
Comment: See Variant Classification Assertion Criteria.

Fulgent Genetics
Classification: Likely benign for Ventriculomegaly-cystic kidney disease; Focal segmental glomerulosclerosis 9. Last evaluated: 2022-01-25. Review status: criteria provided, single submitter. Criteria: ACMG Guidelines, 2015. Collection method: clinical testing. Allele origin: unknown.

Breakthrough Genomics
Classification: Benign. Review status: criteria provided, single submitter. Criteria: ACMG Guidelines, 2015. Collection method: not provided. Allele origin: germline. Inheritance: Autosomal recessive inheritance. Affected: yes.

NM_173689.7(CRB2):c.1217C>T (p.Pro406Leu)

Gene: CRB2 (crumbs cell polarity complex component 2; plus strand). Cytogenetic location: 9q33.3.
Variant type: single nucleotide variant.
Coding change: c.1217C>T on transcript NM_173689.7 (MANE Select); coding-DNA position 1217, C replaced by T.
Protein change: p.Pro406Leu; replaces proline 406 with leucine.
Molecular consequence: missense variant. On other transcripts: non-coding transcript variant (1).
Genome position (GRCh38, 1-based): chr9:123,370,270, C>T. VCF-style: chr9-123370270-C-T. GRCh37 (hg19) VCF-style: chr9-126132549-C-T.
Other names: short protein forms P406L.
Identifiers: ClinVar variation 745089 (VCV000745089.33), dbSNP rs34802652, ClinGen allele CA5231926.